The following is an entry in ClinVar:

ClinVar aggregate classification (germline): Uncertain significance (1 of 4 stars; one submission).

Conditions:
Cenani-Lenz syndactyly syndrome. Also called: SYNDACTYLY, TYPE VII; CENANI SYNDACTYLISM. Identifiers: Orphanet 3258, MedGen C1859309, MONDO:0008931, OMIM 212780.
Sclerosteosis 2 (SOST2). Identifiers: Orphanet 3152, MedGen C3280402, MONDO:0013679, OMIM 614305.
Congenital myasthenic syndrome 17. Identifiers: Orphanet 590, MedGen C4225377, MONDO:0014578, OMIM 616304.

Allele frequency attached by ClinVar (database versions not stated): TOPMed below 0.00001.
gnomAD v4.1: 11 of 1,558,152 alleles (0.00071%); highest among the groups gnomAD compares: Non-Finnish European, 0.00087%; no homozygotes.

Submission:

Labcorp Genetics (formerly Invitae), Labcorp
Classification: Uncertain significance for Cenani-Lenz syndactyly syndrome; Sclerosteosis 2; Congenital myasthenic syndrome 17. Last evaluated: 2022-08-05. Review status: criteria provided, single submitter. Criteria: Invitae Variant Classification Sherloc (09022015). Collection method: clinical testing. Allele origin: germline.
Comment: In summary, the available evidence is currently insufficient to determine the role of this variant in disease. Therefore, it has been classified as a Variant of Uncertain Significance. Algorithms developed to predict the effect of missense changes on protein structure and function (SIFT, PolyPhen-2, Align-GVGD) all suggest that this variant is likely to be tolerated. This variant has not been reported in the literature in individuals affected with LRP4-related conditions. This variant is not present in population databases (gnomAD no frequency). This sequence change replaces arginine, which is basic and polar, with serine, which is neutral and polar, at codon 1703 of the LRP4 protein (p.Arg1703Ser).

NM_002334.4(LRP4):c.5109G>T (p.Arg1703Ser)

Genes: LRP4 (LDL receptor related protein 4; minus strand), LRP4-AS1 (LRP4 antisense RNA 1; plus strand). Cytogenetic location: 11p11.2.
Variant type: single nucleotide variant.
Coding change: c.5109G>T on transcript NM_002334.4 (MANE Select); coding-DNA position 5109, G replaced by T.
Protein change: p.Arg1703Ser; replaces arginine 1703 with serine.
Molecular consequence: missense variant.
Genome position (GRCh38, 1-based): chr11:46,865,165, C>A on the plus strand (G>T on the coding strand, the complement: LRP4 is on the minus strand). VCF-style: chr11-46865165-C-A. GRCh37 (hg19) VCF-style: chr11-46886716-C-A.
Other names: short protein forms R1703S.
Identifiers: ClinVar variation 2175228 (VCV002175228.2), dbSNP rs1441344633, ClinGen allele CA380261900.